The following is an entry in ClinVar:

NM_000089.4(COL1A2):c.3159+6T>A

Gene: COL1A2 (collagen type I alpha 2 chain; plus strand). Cytogenetic location: 7q21.3.
Variant type: single nucleotide variant.
Coding change: c.3159+6T>A on transcript NM_000089.4 (MANE Select); 6 bases into the intron after coding-DNA position 3159, T replaced by A.
Molecular consequence: intron variant.
Genome position (GRCh38, 1-based): chr7:94,427,067, T>A. VCF-style: chr7-94427067-T-A. GRCh37 (hg19) VCF-style: chr7-94056379-T-A.
Identifiers: ClinVar variation 1352144 (VCV001352144.7), dbSNP rs2115957317, ClinGen allele CA2573142494.

ClinVar aggregate classification (germline): Conflicting classifications of pathogenicity. Review status: criteria provided, conflicting classifications (1 of 4 stars). 2 submissions from 2 submitters: Likely pathogenic (1); Uncertain significance (1). Last evaluated 2024-05-27.

Conditions:
Osteogenesis imperfecta type I (OI1). Also called: OI, TYPE I; OSTEOGENESIS IMPERFECTA TARDA; OSTEOGENESIS IMPERFECTA WITH BLUE SCLERAE; Osteogenesis imperfecta type 1; Classic Non-deforming Osteogenesis Imperfecta with Blue Sclerae; Lobstein's Disease. Identifiers: Orphanet 216796, Orphanet 666, MedGen C0023931, MONDO:0008146, OMIM 166200. Disease mechanism: loss of function.
Ehlers-Danlos syndrome, classic type, 1 (EDSCL1). Also called: EHLERS-DANLOS SYNDROME, GRAVIS TYPE; EHLERS-DANLOS SYNDROME, SEVERE CLASSIC TYPE; Ehlers-Danlos Syndrome, Classic Type, COL5A1-Related; Ehlers-Danlos syndrome, type 1; EDS I. Identifiers: MedGen C0268335, MONDO:0019567, OMIM 130000.
COL1A2-related disorder. Also called: COL1A2-Related Disorders; COL1A2-related condition.

Submissions (2):

Blueprint Genetics
Classification: Likely pathogenic for COL1A2-related disorders. Last evaluated: 2024-05-27. Review status: criteria provided, single submitter. Criteria: ACMG Guidelines, 2015. Collection method: clinical testing. Allele origin: germline. Affected: yes. Observed: 1 variant allele.

Labcorp Genetics (formerly Invitae), Labcorp
Classification: Uncertain significance for Osteogenesis imperfecta type I; Ehlers-Danlos syndrome, classic type, 1. Last evaluated: 2022-12-06. Review status: criteria provided, single submitter. Criteria: Invitae Variant Classification Sherloc (09022015). Collection method: clinical testing. Allele origin: germline.
Comment: In summary, the available evidence is currently insufficient to determine the role of this variant in disease. Therefore, it has been classified as a Variant of Uncertain Significance. Variants that disrupt the consensus splice site are a relatively common cause of aberrant splicing (PMID: 17576681, 9536098). Algorithms developed to predict the effect of sequence changes on RNA splicing suggest that this variant may disrupt the consensus splice site. ClinVar contains an entry for this variant (Variation ID: 1352144). This variant has not been reported in the literature in individuals affected with COL1A2-related conditions. This variant is not present in population databases (gnomAD no frequency). This sequence change falls in intron 47 of the COL1A2 gene. It does not directly change the encoded amino acid sequence of the COL1A2 protein. It affects a nucleotide within the consensus splice site.

Literature cited by the submitters: PubMed 17576681 (cited by Labcorp Genetics (formerly Invitae), Labcorp); PubMed 9536098 (cited by Labcorp Genetics (formerly Invitae), Labcorp).